The following is an entry in ClinVar:

NM_032808.7(LINGO1):c.1503C>T (p.Asn501=)

Gene: LINGO1 (leucine rich repeat and Ig domain containing 1; minus strand). Cytogenetic location: 15q24.3.
Variant type: single nucleotide variant.
Coding change: c.1503C>T on transcript NM_032808.7 (MANE Select); coding-DNA position 1503, C replaced by T.
Protein change: p.Asn501=; no amino-acid change (asparagine 501 retained).
Molecular consequence: synonymous variant.
Genome position (GRCh38, 1-based): chr15:77,614,404, G>A on the plus strand (C>T on the coding strand, the complement: LINGO1 is on the minus strand). VCF-style: chr15-77614404-G-A. GRCh37 (hg19) VCF-style: chr15-77906746-G-A.
Other names: c.1485C>T, p.Asn495= (NM_001301186.2, NM_001301187.2, NM_001301189.2 and 8 more transcripts).
Identifiers: ClinVar variation 2645593 (VCV002645593.24), dbSNP rs142861123, ClinGen allele CA7677774.

ClinVar aggregate classification (germline): Likely benign (1 of 4 stars; one submission).

Allele frequency attached by ClinVar (database versions not stated): gnomAD exomes 0.00004; ExAC 0.00005; ESP Exome Variant Server 0.00008; gnomAD 0.00008; 1000 Genomes Project 30x 0.00016; TOPMed 0.00037; 1000 Genomes Project 0.00040.
gnomAD v4.1: 105 of 1,613,038 alleles (0.0065%); highest among the groups gnomAD compares: African/African-American, 0.012%; no homozygotes.

Submission:

CeGaT Center for Human Genetics Tuebingen
Classification: Likely benign. Last evaluated: 2023-04-01. Review status: criteria provided, single submitter. Criteria: CeGaT Center For Human Genetics Tuebingen Variant Classification Criteria Version 2. Collection method: clinical testing. Allele origin: germline. Affected: yes. Observed: 1 variant allele.
Comment: LINGO1: BP4, BP7